The following is an entry in ClinVar:

NM_018685.5(ANLN):c.2279A>G (p.Glu760Gly)

Gene: ANLN (anillin, actin binding protein; plus strand). Cytogenetic location: 7p14.2.
Variant type: single nucleotide variant.
Coding change: c.2279A>G on transcript NM_018685.5 (MANE Select); coding-DNA position 2279, A replaced by G.
Protein change: p.Glu760Gly; replaces glutamic acid 760 with glycine.
Molecular consequence: missense variant.
Genome position (GRCh38, 1-based): chr7:36,421,972, A>G. VCF-style: chr7-36421972-A-G. GRCh37 (hg19) VCF-style: chr7-36461581-A-G.
Other names: c.2168A>G, p.Glu723Gly (NM_001284301.3); c.2165A>G, p.Glu722Gly (NM_001284302.3); short protein forms E722G, E723G, E760G.
Identifiers: ClinVar variation 4739742 (VCV004739742.1).

ClinVar aggregate classification (germline): Uncertain significance (1 of 4 stars; one submission).

Submission:

Labcorp Genetics (formerly Invitae), Labcorp
Classification: Uncertain significance. Last evaluated: 2025-07-30. Review status: criteria provided, single submitter. Criteria: Invitae Variant Classification Sherloc (09022015). Collection method: clinical testing. Allele origin: germline.
Comment: This sequence change replaces glutamic acid, which is acidic and polar, with glycine, which is neutral and non-polar, at codon 760 of the ANLN protein (p.Glu760Gly). This variant is not present in population databases (gnomAD no frequency). This variant has not been reported in the literature in individuals affected with ANLN-related conditions. Invitae Evidence Modeling of protein sequence and biophysical properties (such as structural, functional, and spatial information, amino acid conservation, physicochemical variation, residue mobility, and thermodynamic stability) indicates that this missense variant is expected to disrupt ANLN protein function with a positive predictive value of 80%. In summary, the available evidence is currently insufficient to determine the role of this variant in disease. Therefore, it has been classified as a Variant of Uncertain Significance.